The following is an entry in ClinVar:

ClinVar aggregate classification (germline): Likely benign. Review status: criteria provided, multiple submitters, no conflicts (2 of 4 stars). 3 submissions from 3 submitters: Likely benign (3). Last evaluated 2025-07-22.

Conditions:
Hereditary fructosuria. Also called: ALDOB DEFICIENCY; ALDOLASE B DEFICIENCY; FRUCTOSE-1,6-BISPHOSPHATE ALDOLASE B DEFICIENCY; FRUCTOSE-1-PHOSPHATE ALDOLASE DEFICIENCY; FRUCTOSEMIA; Hereditary fructose intolerance. Identifiers: Orphanet 469, MedGen C0016751, MONDO:0009249, OMIM 229600, HP:0005973. Disease mechanism: loss of function.
ALDOB-related disorder. Also called: ALDOB-related condition.

Allele frequency attached by ClinVar (database versions not stated): gnomAD 0.00006; TOPMed 0.00008; ExAC 0.00012; gnomAD exomes 0.00013; 1000 Genomes Project 0.00020; 1000 Genomes Project 30x 0.00031.

Submissions (3):

Labcorp Genetics (formerly Invitae), Labcorp
Classification: Likely benign for Hereditary fructosuria. Last evaluated: 2025-07-22. Review status: criteria provided, single submitter. Criteria: Invitae Variant Classification Sherloc (09022015). Collection method: clinical testing. Allele origin: germline.

PreventionGenetics, part of Exact Sciences
Classification: Likely benign for ALDOB-related condition. Last evaluated: 2025-06-20. Review status: criteria provided, single submitter. Criteria: ACMG Guidelines, 2015. Collection method: clinical testing. Allele origin: germline.
Comment: This variant is classified as likely benign based on ACMG/AMP sequence variant interpretation guidelines (Richards et al. 2015 PMID: 25741868, with internal and published modifications).

GeneDx
Classification: Likely benign. Last evaluated: 2017-06-02. Review status: criteria provided, single submitter. Criteria: GeneDx Variant Classification (06012015). Collection method: clinical testing. Allele origin: germline. Affected: yes.
Comment: This variant is considered likely benign or benign based on one or more of the following criteria: it is a conservative change, it occurs at a poorly conserved position in the protein, it is predicted to be benign by multiple in silico algorithms, and/or has population frequency not consistent with disease.

NM_000035.4(ALDOB):c.501C>T (p.Asn167=)

Gene: ALDOB (aldolase, fructose-bisphosphate B; minus strand). Cytogenetic location: 9q31.1.
Variant type: single nucleotide variant.
Coding change: c.501C>T on transcript NM_000035.4 (MANE Select); coding-DNA position 501, C replaced by T.
Protein change: p.Asn167=; no amino-acid change (asparagine 167 retained).
Molecular consequence: synonymous variant.
Genome position (GRCh38, 1-based): chr9:101,427,521, G>A on the plus strand (C>T on the coding strand, the complement: ALDOB is on the minus strand). VCF-style: chr9-101427521-G-A. GRCh37 (hg19) VCF-style: chr9-104189803-G-A.
Other names: c.501C>T, p.Asn167= (LRG_1244t1).
Identifiers: ClinVar variation 517884 (VCV000517884.13), dbSNP rs186836225, ClinGen allele CA5161584.